The following is an entry in ClinVar:

ClinVar aggregate classification (germline): Uncertain significance (1 of 4 stars; one submission).

Submission:

Labcorp Genetics (formerly Invitae), Labcorp
Classification: Uncertain significance. Last evaluated: 2018-03-05. Review status: criteria provided, single submitter. Criteria: Invitae Variant Classification Sherloc (09022015). Collection method: clinical testing. Allele origin: germline.
Comment: In summary, the available evidence is currently insufficient to determine the role of this variant in disease. Therefore, it has been classified as a Variant of Uncertain Significance. Algorithms developed to predict the effect of missense changes on protein structure and function (SIFT, PolyPhen-2, Align-GVGD) all suggest that this variant is likely to be disruptive, but these predictions have not been confirmed by published functional studies and their clinical significance is uncertain. This variant has not been reported in the literature in individuals with EPHB4-related disease. This variant is not present in population databases (ExAC no frequency). This sequence change replaces glutamic acid with alanine at codon 790 of the EPHB4 protein (p.Glu790Ala). The glutamic acid residue is highly conserved and there is a moderate physicochemical difference between glutamic acid and alanine.

NM_004444.5(EPHB4):c.2369A>C (p.Glu790Ala)

Genes: EPHB4 (EPH receptor B4; minus strand), LOC126860124 (CDK7 strongly-dependent group 2 enhancer GRCh37_chr7:100403701-100404900; plus strand). Cytogenetic location: 7q22.1.
Variant type: single nucleotide variant.
Coding change: c.2369A>C on transcript NM_004444.5 (MANE Select); coding-DNA position 2369, A replaced by C.
Protein change: p.Glu790Ala; replaces glutamic acid 790 with alanine.
Molecular consequence: missense variant.
Genome position (GRCh38, 1-based): chr7:100,806,535, T>G on the plus strand (A>C on the coding strand, the complement: EPHB4 is on the minus strand). VCF-style: chr7-100806535-T-G. GRCh37 (hg19) VCF-style: chr7-100404157-T-G.
Other names: short protein forms E790A.
Identifiers: ClinVar variation 1046952 (VCV001046952.9), dbSNP rs780716438, ClinGen allele CA163276074.